The following is an entry in ClinVar:

NM_000059.4(BRCA2):c.2072C>A (p.Ala691Glu)

Gene: BRCA2 (BRCA2 DNA repair associated; plus strand). Cytogenetic location: 13q13.1.
Variant type: single nucleotide variant.
Coding change: c.2072C>A on transcript NM_000059.4 (MANE Select); coding-DNA position 2072, C replaced by A.
Protein change: p.Ala691Glu; replaces alanine 691 with glutamic acid.
Molecular consequence: missense variant.
Genome position (GRCh38, 1-based): chr13:32,336,427, C>A. VCF-style: chr13-32336427-C-A. GRCh37 (hg19) VCF-style: chr13-32910564-C-A.
Other names: short protein forms A691E.
Identifiers: ClinVar variation 801093 (VCV000801093.4), dbSNP rs868546240, ClinGen allele CA387769073.
Genomic context (GRCh38, chr13:32,336,427, plus strand): 5'-CTAGAAATGAAACATGTTCTAATAATACAGTAATCTCTCAGGATCTTGATTATAAAGAAG[C>A]AAAATGTAATAAGGAAAAACTACAGTTATTTATTACCCCAGAAGCTGATTCTCTGTCATG-3'
Protein context (NP_000050.3, residues 681-701): VISQDLDYKE[Ala691Glu]KCNKEKLQLF

ClinVar aggregate classification (germline): Conflicting classifications of pathogenicity. Review status: criteria provided, conflicting classifications (1 of 4 stars). 2 submissions from 2 submitters: Uncertain significance (1); Likely benign (1). Last evaluated 2023-03-23.

Conditions:
Hereditary cancer-predisposing syndrome. Also called: Tumor predisposition; Neoplastic Syndromes, Hereditary; Hereditary Cancer Syndrome; Hereditary neoplastic syndrome. Identifiers: Orphanet 140162, MedGen C0027672, MeSH D009386, MONDO:0015356.

gnomAD v4.1: 1 of 1,613,646 alleles (0.000062%); highest among the groups gnomAD compares: Non-Finnish European, 0.000085%; no homozygotes.

Submissions (2):

University of Washington Department of Laboratory Medicine, University of Washington
Classification: Likely benign for Hereditary cancer-predisposing syndrome. Last evaluated: 2023-03-23. Review status: criteria provided, single submitter. Criteria: Dines et al. (Genet Med. 2020). Collection method: curation. Allele origin: germline.
Comment: Missense variant in a coldspot region where missense variants are very unlikely to be pathogenic (PMID:31911673).

BRCA2 exon 11 coldspot. Reclassification based on statistical prior probability.

Quest Diagnostics Nichols Institute San Juan Capistrano
Classification: Uncertain significance. Last evaluated: 2019-08-18. Review status: criteria provided, single submitter. Criteria: Quest Diagnostics criteria. Collection method: clinical testing. Allele origin: germline.